The following is an entry in ClinVar:

ClinVar aggregate classification (germline): Uncertain significance. Review status: criteria provided, multiple submitters, no conflicts (2 of 4 stars). 2 submissions from 2 submitters: Uncertain significance (2). Last evaluated 2021-06-07.

Conditions:
Autoinflammatory syndrome. Identifiers: Orphanet 93665, MedGen C3890737, MONDO:0019751.
Proteasome-associated autoinflammatory syndrome 1 (PRAAS1). Also called: JOINT CONTRACTURES, MUSCULAR ATROPHY, MICROCYTIC ANEMIA, AND PANNICULITIS-INDUCED LIPODYSTROPHY; JMP SYNDROME; AUTOINFLAMMATION, LIPODYSTROPHY, AND DERMATOSIS SYNDROME; NAKAJO-NISHIMURA SYNDROME; CHRONIC ATYPICAL NEUTROPHILIC DERMATOSIS WITH LIPODYSTROPHY AND ELEVATED TEMPERATURE SYNDROME; Nakajo syndrome. Identifiers: Orphanet 2615, Orphanet 324977, Orphanet 324999, Orphanet 325004, MedGen C4746851, MONDO:0054698, OMIM 256040.

Allele frequency attached by ClinVar (database versions not stated): gnomAD 0.00001; gnomAD exomes 0.00001 and 0.00002; TOPMed 0.00002.

Submissions (2):

Genome Diagnostics Laboratory, The Hospital for Sick Children
Classification: Uncertain significance for Autoinflammatory syndrome. Last evaluated: 2021-06-07. Review status: criteria provided, single submitter. Criteria: ACMG Guidelines, 2015. Collection method: clinical testing. Allele origin: germline. Affected: yes.

Geng Laboratory, The Second Hospital Affiliated to Xi’an Jiaotong University
Classification: Uncertain significance for Proteasome-associated autoinflammatory syndrome 1. Last evaluated: 2020-02-15. Review status: criteria provided, single submitter. Criteria: ACMG Guidelines, 2015. Collection method: clinical testing. Allele origin: de novo. Inheritance: Autosomal recessive inheritance. Affected: yes. Observed: 1 heterozygote.
Comment: In-silico analysis by Mutation Taster, Polyphen-2, REVEL, SIFT and Provean, both mutations were predicted as damaging.

NM_148919.4(PSMB8):c.385C>T (p.Arg129Cys)

Gene: PSMB8 (proteasome 20S subunit beta 8; minus strand). Cytogenetic location: 6p21.32.
Variant type: single nucleotide variant.
Coding change: c.385C>T on transcript NM_148919.4 (MANE Select); coding-DNA position 385, C replaced by T.
Protein change: p.Arg129Cys; replaces arginine 129 with cysteine.
Molecular consequence: missense variant.
Genome position (GRCh38, 1-based): chr6:32,842,694, G>A on the plus strand (C>T on the coding strand, the complement: PSMB8 is on the minus strand). VCF-style: chr6-32842694-G-A. GRCh37 (hg19) VCF-style: chr6-32810471-G-A.
Other names: c.385C>T (NM_148919.3); c.373C>T, p.Arg125Cys (NM_004159.5); short protein forms R129C, R125C.
Identifiers: ClinVar variation 870499 (VCV000870499.5), dbSNP rs757343575, ClinGen allele CA137007915.